The following is an entry in ClinVar:

NM_002471.4(MYH6):c.4459A>T (p.Lys1487Ter)

Gene: MYH6 (myosin heavy chain 6; minus strand). Cytogenetic location: 14q11.2.
Variant type: single nucleotide variant.
Coding change: c.4459A>T on transcript NM_002471.4 (MANE Select); coding-DNA position 4459, A replaced by T.
Protein change: p.Lys1487Ter; replaces lysine 1487 with a stop codon.
Molecular consequence: nonsense.
Genome position (GRCh38, 1-based): chr14:23,387,824, T>A on the plus strand (A>T on the coding strand, the complement: MYH6 is on the minus strand). VCF-style: chr14-23387824-T-A. GRCh37 (hg19) VCF-style: chr14-23857033-T-A.
Other names: short protein forms K1487*.
Identifiers: ClinVar variation 4717957 (VCV004717957.1).
Genomic context (GRCh38, chr14:23,387,824, plus strand): 5'-GGTTCTTGTTCTCCCGCTTGAAGGTCTCTAGGTGCTCCAGGGACTCCTCGTAGGCGTTCT[T>A]GAGCTTGAAGAGCTCTGTGCTGAGGGAGCGAGCCTCCTTCTGTGAGGACTCCAGCTCAGA-3'

ClinVar aggregate classification (germline): Uncertain significance (1 of 4 stars; one submission).

Conditions:
Hypertrophic cardiomyopathy 14. Identifiers: MedGen C2750467, MONDO:0013197, OMIM 613251.

Submission:

Labcorp Genetics (formerly Invitae), Labcorp
Classification: Uncertain significance for Hypertrophic cardiomyopathy 14. Last evaluated: 2025-04-20. Review status: criteria provided, single submitter. Criteria: Invitae Variant Classification Sherloc (09022015). Collection method: clinical testing. Allele origin: germline.
Comment: This sequence change creates a premature translational stop signal (p.Lys1487*) in the MYH6 gene. It is expected to result in an absent or disrupted protein product. However, the current clinical and genetic evidence is not sufficient to establish whether loss-of-function variants in MYH6 cause disease. This variant is not present in population databases (gnomAD no frequency). This variant has not been reported in the literature in individuals affected with MYH6-related conditions. In summary, the available evidence is currently insufficient to determine the role of this variant in disease. Therefore, it has been classified as a Variant of Uncertain Significance.